The following is an entry in ClinVar:

ClinVar aggregate classification (germline): Pathogenic (1 of 4 stars; one submission).

Conditions:
Familial cancer of breast. Also called: hereditary breast carcinoma; BREAST CANCER, FAMILIAL; Hereditary breast cancer. Identifiers: Orphanet 227535, MedGen C0346153, MONDO:0016419, OMIM 114480. Disease mechanism: loss of function.

Submission:

Labcorp Genetics (formerly Invitae), Labcorp
Classification: Pathogenic for Familial cancer of breast. Last evaluated: 2025-07-14. Review status: criteria provided, single submitter. Criteria: Invitae Variant Classification Sherloc (09022015). Collection method: clinical testing. Allele origin: germline.
Comment: This sequence change creates a premature translational stop signal (p.Asp118Thrfs*13) in the CHEK2 gene. It is expected to result in an absent or disrupted protein product. Loss-of-function variants in CHEK2 are known to be pathogenic (PMID: 21876083, 24713400). This variant is not present in population databases (gnomAD no frequency). This variant has not been reported in the literature in individuals affected with CHEK2-related conditions. For these reasons, this variant has been classified as Pathogenic.

Literature cited by the submitters: PubMed 21876083; PubMed 24713400.

NM_007194.4(CHEK2):c.352del (p.Asp118fs)

Gene: CHEK2 (checkpoint kinase 2; minus strand). Cytogenetic location: 22q12.1.
Variant type: Deletion.
Coding change: c.352del on transcript NM_007194.4 (MANE Select); coding-DNA position 352, one base deleted (G; older notation c.352delG).
Protein change: p.Asp118fs; shifts the reading frame from aspartic acid 118.
Molecular consequence: frameshift variant. On other transcripts: 5 prime UTR variant (2).
Genome position (GRCh38, 1-based): chr22:28,725,335, C deleted on the plus strand (G on the coding strand, the reverse complement: CHEK2 is on the minus strand); the first of 3 consecutive C bases (chr22:28,725,335-28,725,337); deleting any one gives the same sequence. VCF-style (leftmost placement, unchanged base first): chr22-28725334-TC-T. GRCh37 (hg19) VCF-style: chr22-29121322-TC-T.
Other names: c.-426del (NM_001257387.3); c.352del, p.Asp118fs (NM_001349956.3, NM_145862.3); c.-312del (NM_001437942.1); c.481del, p.Asp161fs (NM_001005735.3, NM_001438294.1); c.445del, p.Asp149fs (NM_001438293.1, NM_001438295.1); short protein forms D161fs, D118fs, D149fs.
Identifiers: ClinVar variation 4720146 (VCV004720146.1).